The following is an entry in ClinVar:

NM_152703.5(SAMD9L):c.1130G>C (p.Arg377Thr)

Gene: SAMD9L (sterile alpha motif domain containing 9 like; minus strand). Cytogenetic location: 7q21.2.
Variant type: single nucleotide variant.
Coding change: c.1130G>C on transcript NM_152703.5 (MANE Select); coding-DNA position 1130, G replaced by C.
Protein change: p.Arg377Thr; replaces arginine 377 with threonine.
Molecular consequence: missense variant.
Genome position (GRCh38, 1-based): chr7:93,134,842, C>G on the plus strand (G>C on the coding strand, the complement: SAMD9L is on the minus strand). VCF-style: chr7-93134842-C-G. GRCh37 (hg19) VCF-style: chr7-92764155-C-G.
Other names: c.1130G>C, p.Arg377Thr (NM_001303496.3, NM_001303497.3, NM_001303498.3 and 5 more transcripts); short protein forms R377T.
Identifiers: ClinVar variation 3792500 (VCV003792500.4).

ClinVar aggregate classification (germline): Uncertain significance. Review status: criteria provided, multiple submitters, no conflicts (2 of 4 stars). 3 submissions from 3 submitters: Uncertain significance (3). Last evaluated 2025-12-23.

Conditions:
Inborn genetic diseases. Identifiers: MedGen C0950123, MeSH D030342.

gnomAD v4.1: 1 of 1,613,762 alleles (0.000062%); highest among the groups gnomAD compares: African/African-American, 0.0013%; no homozygotes.

Submissions (3):

Labcorp Genetics (formerly Invitae), Labcorp
Classification: Uncertain significance. Last evaluated: 2025-12-23. Review status: criteria provided, single submitter. Criteria: Invitae Variant Classification Sherloc (09022015). Collection method: clinical testing. Allele origin: germline.
Comment: This sequence change replaces arginine, which is basic and polar, with threonine, which is neutral and polar, at codon 377 of the SAMD9L protein (p.Arg377Thr). This variant is not present in population databases (gnomAD no frequency). This variant has not been reported in the literature in individuals affected with SAMD9L-related conditions. ClinVar contains an entry for this variant (Variation ID: 3792500). Invitae Evidence Modeling of protein sequence and biophysical properties (such as structural, functional, and spatial information, amino acid conservation, physicochemical variation, residue mobility, and thermodynamic stability) indicates that this missense variant is expected to disrupt SAMD9L protein function with a positive predictive value of 80%. In summary, the available evidence is currently insufficient to determine the role of this variant in disease. Therefore, it has been classified as a Variant of Uncertain Significance.

Dasa
Classification: Uncertain significance. Last evaluated: 2025-07-10. Review status: criteria provided, single submitter. Criteria: DASA Assertion Criteria. Collection method: clinical testing. Allele origin: germline.
Comment: NM_152703.5(SAMD9L):c.1130G>C (p.Arg377Thr) is a missense variant that results in the substitution of arginine with threonine. This variant is rare in population databases. Computational prediction algorithms are consistent with a benign effect. The currently available literature and clinical evidence are not sufficient to establish a definitive association between this variant and the reported condition. Therefore, this variant is classified as a variant of uncertain significance.

Ambry Genetics
Classification: Uncertain significance for Inborn genetic diseases. Last evaluated: 2025-03-06. Review status: criteria provided, single submitter. Criteria: Ambry Variant Classification Scheme 2023. Collection method: clinical testing. Allele origin: germline.
Comment: The p.R377T variant (also known as c.1130G>C), located in coding exon 1 of the SAMD9L gene, results from a G to C substitution at nucleotide position 1130. The arginine at codon 377 is replaced by threonine, an amino acid with similar properties. This amino acid position is conserved. In addition, this alteration is predicted to be tolerated by in silico analysis. Based on the available evidence, the clinical significance of this variant remains unclear.